The following is an entry in ClinVar:

NM_003849.4(SUCLG1):c.98-264T>C

Gene: SUCLG1 (succinate-CoA ligase GDP/ADP-forming subunit alpha; minus strand). Cytogenetic location: 2p11.2.
Variant type: single nucleotide variant.
Coding change: c.98-264T>C on transcript NM_003849.4 (MANE Select); 264 bases into the intron before coding-DNA position 98, T replaced by C.
Molecular consequence: intron variant.
Genome position (GRCh38, 1-based): chr2:84,450,016, A>G on the plus strand (T>C on the coding strand, the complement: SUCLG1 is on the minus strand). VCF-style: chr2-84450016-A-G. GRCh37 (hg19) VCF-style: chr2-84677140-A-G.
Identifiers: ClinVar variation 684109 (VCV000684109.1), dbSNP rs2364906, ClinGen allele CA11253219.
Genomic context (GRCh38, chr2:84,450,016, plus strand): 5'-TCTCCAGGATCCTCTCTTTATCAAGAACCACGATCTTGTAGTTTTTTCCTGAACTGAGGG[A>G]AAAAAAAGCAATGTTTATCATTTTTATTTCCTAGAAAAAAACTGGGGCTCAAAGATAAAT-3'

ClinVar aggregate classification (germline): Benign (1 of 4 stars; one submission).

Allele frequency attached by ClinVar (database versions not stated): 1000 Genomes Project 0.85743; TOPMed 0.90910; gnomAD 0.90943 and 0.91170; 1000 Genomes Project 30x 0.92005.
gnomAD v4.1: 138,200 of 151,588 alleles (91%); highest among the groups gnomAD compares: East Asian, 99%; 63,157 homozygotes.

Submission:

GeneDx
Classification: Benign. Last evaluated: 2018-06-14. Review status: criteria provided, single submitter. Criteria: GeneDx Variant Classification (06012015). Collection method: clinical testing. Allele origin: germline. Affected: yes.
Comment: This variant is considered likely benign or benign based on one or more of the following criteria: it is a conservative change, it occurs at a poorly conserved position in the protein, it is predicted to be benign by multiple in silico algorithms, and/or has population frequency not consistent with disease.